The following is an entry in ClinVar:

ClinVar aggregate classification (germline): Uncertain significance. Review status: criteria provided, multiple submitters, no conflicts (2 of 4 stars). 2 submissions from 2 submitters: Uncertain significance (2). Last evaluated 2025-03-04.

Conditions:
Meckel-Gruber syndrome. Also called: DYSENCEPHALIA SPLANCHNOCYSTICA; GRUBER SYNDROME; Dysencephalia splachnocystica. Identifiers: Orphanet 564, MedGen C0265215, MONDO:0018921.
Joubert syndrome. Also called: Familial aplasia of the vermis; JOUBERT-BOLTSHAUSER SYNDROME. Identifiers: Orphanet 475, MedGen C5979921, MONDO:0018772.
Nephronophthisis. Also called: Juvenile Nephronophthisis. Identifiers: Orphanet 655, MedGen C0687120, MONDO:0019005, HP:0000090.

Submissions (2):

Labcorp Genetics (formerly Invitae), Labcorp
Classification: Uncertain significance for Joubert syndrome; Meckel-Gruber syndrome; Nephronophthisis. Last evaluated: 2025-03-04. Review status: criteria provided, single submitter. Criteria: Invitae Variant Classification Sherloc (09022015). Collection method: clinical testing. Allele origin: germline.
Comment: This sequence change replaces phenylalanine, which is neutral and non-polar, with cysteine, which is neutral and slightly polar, at codon 1620 of the CEP290 protein (p.Phe1620Cys). This variant is not present in population databases (gnomAD no frequency). This variant has not been reported in the literature in individuals affected with CEP290-related conditions. Invitae Evidence Modeling of protein sequence and biophysical properties (such as structural, functional, and spatial information, amino acid conservation, physicochemical variation, residue mobility, and thermodynamic stability) has been performed for this missense variant. However, the output from this modeling did not meet the statistical confidence thresholds required to predict the impact of this variant on CEP290 protein function. In summary, the available evidence is currently insufficient to determine the role of this variant in disease. Therefore, it has been classified as a Variant of Uncertain Significance.

Blueprint Genetics
Classification: Uncertain significance. Last evaluated: 2023-09-09. Review status: criteria provided, single submitter. Criteria: ACMG Guidelines, 2015. Collection method: clinical testing. Allele origin: germline.

NM_025114.4(CEP290):c.4859T>G (p.Phe1620Cys)

Gene: CEP290 (centrosomal protein 290; minus strand). Cytogenetic location: 12q21.32.
Variant type: single nucleotide variant.
Coding change: c.4859T>G on transcript NM_025114.4 (MANE Select); coding-DNA position 4859, T replaced by G.
Protein change: p.Phe1620Cys; replaces phenylalanine 1620 with cysteine.
Molecular consequence: missense variant.
Genome position (GRCh38, 1-based): chr12:88,083,184, A>C on the plus strand (T>G on the coding strand, the complement: CEP290 is on the minus strand). VCF-style: chr12-88083184-A-C. GRCh37 (hg19) VCF-style: chr12-88476961-A-C.
Other names: short protein forms F1620C.
Identifiers: ClinVar variation 4794984 (VCV004794984.2).